The following is an entry in ClinVar:

NM_019026.6(TMCO1):c.187C>T (p.Arg63Ter)

Gene: TMCO1 (transmembrane and coiled-coil domains 1; minus strand). Cytogenetic location: 1q24.1.
Variant type: single nucleotide variant.
Coding change: c.187C>T on transcript NM_019026.6 (MANE Select); coding-DNA position 187, C replaced by T.
Protein change: p.Arg63Ter; replaces arginine 63 with a stop codon.
Molecular consequence: nonsense. On other transcripts: non-coding transcript variant (1).
Genome position (GRCh38, 1-based): chr1:165,759,546, G>A on the plus strand (C>T on the coding strand, the complement: TMCO1 is on the minus strand). VCF-style: chr1-165759546-G-A. GRCh37 (hg19) VCF-style: chr1-165728783-G-A.
Other names: c.238C>T, p.Arg80Ter (NM_001256164.1); c.151C>T, p.Arg51Ter (NM_001256165.1); short protein forms R114*, R80*, R51*.
Identifiers: ClinVar variation 265628 (VCV000265628.17), dbSNP rs765824628, ClinGen allele CA1221739.
Genomic context (GRCh38, chr1:165,759,546, plus strand): 5'-GAAAACCCAAATTTCATTTTGACTAATATCTCATCTTACCTATTTTCTTTTTCTGTTGTC[G>A]ACCAGCTGACTCTGTTATTGTTTCCTTCTTCTTTTCCACTGTAAACAACATAGTAACACA-3'

ClinVar aggregate classification (germline): Pathogenic. Review status: criteria provided, multiple submitters, no conflicts (2 of 4 stars). 6 submissions from 6 submitters: Pathogenic (6). Last evaluated 2026-01-12.

Conditions:
Craniofacial dysmorphism, skeletal anomalies, and impaired intellectual development 1 (CFSMR1). Also called: Cerebrofaciothoracic dysplasia. Identifiers: Orphanet 1394, MedGen C5677021, MONDO:0800436, OMIM 213980.

Allele frequency attached by ClinVar (database versions not stated): gnomAD 0.00002; gnomAD exomes 0.00003 and 0.00001; ExAC 0.00006; TOPMed 0.00001.
gnomAD v4.1: 13 of 1,611,278 alleles (0.00081%); highest among the groups gnomAD compares: Non-Finnish European, 0.0011%; no homozygotes.

Submissions (6):

3billion
Classification: Pathogenic for Craniofacial dysmorphism, skeletal anomalies, and impaired intellectual development 1. Last evaluated: 2026-01-12. Review status: criteria provided, single submitter. Criteria: ACMG Guidelines, 2015. Collection method: clinical testing. Allele origin: germline. Affected: yes.
Comment: The variant is observed at an extremely low frequency in the gnomAD v4.1.0 dataset (total allele frequency: <0.001%). Predicted Consequence/Location: Stop-gained (nonsense): predicted to result in a loss or disruption of normal protein function through nonsense-mediated decay (NMD) or protein truncation. Multiple pathogenic variants are reported downstream of the variant. The variant has been reported at least twice as pathogenic with clinical assertions and evidence for the classification (ClinVar ID: VCV000265628 /PMID: 29682451). Therefore, this variant is classified as Pathogenic according to the recommendation of ACMG/AMP guideline.

Variantyx, Inc.
Classification: Pathogenic for Craniofacial dysmorphism, skeletal anomalies, and impaired intellectual development 1. Last evaluated: 2025-07-31. Review status: criteria provided, single submitter. Criteria: Variantyx Assertion Criteria 2022. Collection method: clinical testing. Allele origin: germline. Inheritance: Autosomal recessive inheritance. Affected: yes.
Comment: This is a nonsense variant in the TMCO1 gene (OMIM: 614123). Pathogenic variants in this gene have been associated with autosomal recessive craniofacial dysmorphism, skeletal anomalies, and impaired intellectual development syndrome 1. This variant introduces a premature termination codon in exon 3 out of 7 and is expected to result in loss of function, which is a known disease mechanism for TMCO1 in this disorder (PMID: 20018682, 23320496) (PVS1). It has a 0.0011% maximum allele frequency in non-founder control populations (PM2). Based on the current evidence, this variant is classified as pathogenic for autosomal recessive craniofacial dysmorphism, skeletal anomalies, and impaired intellectual development syndrome 1.

GeneDx
Classification: Pathogenic. Last evaluated: 2023-03-19. Review status: criteria provided, single submitter. Criteria: GeneDx Variant Classification Process June 2021. Collection method: clinical testing. Allele origin: germline. Affected: yes.
Comment: Nonsense variant predicted to result in protein truncation or nonsense mediated decay in a gene for which loss-of-function is a known mechanism of disease; This variant is associated with the following publications: (PMID: 29682451, 34930662)

Labcorp Genetics (formerly Invitae), Labcorp
Classification: Pathogenic. Last evaluated: 2022-03-11. Review status: criteria provided, single submitter. Criteria: Invitae Variant Classification Sherloc (09022015). Collection method: clinical testing. Allele origin: germline.
Comment: This sequence change creates a premature translational stop signal (p.Arg114*) in the TMCO1 gene. It is expected to result in an absent or disrupted protein product. Loss-of-function variants in TMCO1 are known to be pathogenic (PMID: 20018682, 23320496, 24194475, 24424126). ClinVar contains an entry for this variant (Variation ID: 265628). For these reasons, this variant has been classified as Pathogenic. This premature translational stop signal has been observed in individual(s) with cerebro-facio-thoracic dysplasia (PMID: 29682451). It has also been observed to segregate with disease in related individuals. This variant is present in population databases (rs765824628, gnomAD 0.006%).

HudsonAlpha Institute for Biotechnology
Classification: Pathogenic for Craniofacial dysmorphism, skeletal anomalies, and impaired intellectual development 1. Last evaluated: 2021-10-18. Review status: criteria provided, single submitter. Criteria: ACMG Guidelines, 2015. Collection method: research. Allele origin: paternal. Observed: 1 variant allele. Study: CSER-SouthSeq.
Comment: ACMG codes: PVS1; PM2; PP5

Illumina Laboratory Services, Illumina
Classification: Pathogenic for Craniofacial dysmorphism, skeletal anomalies, and impaired intellectual development 1. Last evaluated: 2020-08-19. Review status: criteria provided, single submitter. Criteria: ICSLVariantClassificationCriteria RUGD 01 April 2020. Collection method: clinical testing. Allele origin: unknown.
Comment: The TMCO1 c.340C>T (p.Arg114Ter) variant is a stop-gained variant that has been reported in one study, in which it is found in a homozygous state in two siblings with cerebrofaciothoracic dysplasia (Tender and Ferreira 2018). Control data are unavailable for the p.Arg114Ter variant, which is reported at a frequency of 0.000062 in the European non-Finnish population in the Genome Aggregation Database in a region of good sequencing coverage, so the variant is presumed to be rare. Based on the collective evidence and application of the ACMG criteria, the p.Arg114Ter variant is classified as pathogenic for cerebrofaciothoracic dysplasia.

Literature cited by the submitters: PubMed 29682451 (cited by 4 submitters); PubMed 23320496 (cited by Variantyx, Inc. and Labcorp Genetics (formerly Invitae), Labcorp); PubMed 20018682 (cited by Variantyx, Inc. and Labcorp Genetics (formerly Invitae), Labcorp); PubMed 24194475 (cited by Labcorp Genetics (formerly Invitae), Labcorp); PubMed 24424126 (cited by Labcorp Genetics (formerly Invitae), Labcorp).